The following is an entry in ClinVar:

NM_001089.3(ABCA3):c.448-14C>G

Gene: ABCA3 (ATP binding cassette subfamily A member 3; minus strand). Cytogenetic location: 16p13.3.
Variant type: single nucleotide variant.
Coding change: c.448-14C>G on transcript NM_001089.3 (MANE Select); 14 bases into the intron before coding-DNA position 448, C replaced by G.
Molecular consequence: intron variant.
Genome position (GRCh38, 1-based): chr16:2,323,702, G>C on the plus strand (C>G on the coding strand, the complement: ABCA3 is on the minus strand). VCF-style: chr16-2323702-G-C. GRCh37 (hg19) VCF-style: chr16-2373703-G-C.
Identifiers: ClinVar variation 318572 (VCV000318572.21), dbSNP rs62040683, ClinGen allele CA7841637.
Genomic context (GRCh38, chr16:2,323,702, plus strand): 5'-CACATGTAATTTCTCCGTGTGTAACTGAACCGTAGGTGATATTTCACCTGTGGAAACAAA[G>C]AGAAAACCAGCTGTTCCGAGAGATCCAGACAGAGGGGCAAACAACAGGGTGGAGTGGGAG-3'

ClinVar aggregate classification (germline): Benign/Likely benign. Review status: criteria provided, multiple submitters, no conflicts (2 of 4 stars). 6 submissions from 6 submitters: Benign (3); Likely benign (3). Last evaluated 2026-02-02.

Conditions:
Interstitial lung disease due to ABCA3 deficiency. Also called: PULMONARY ALVEOLAR PROTEINOSIS, CONGENITAL, 3. Identifiers: Orphanet 440402, MedGen C1970456, MONDO:0012582, OMIM 610921.

Allele frequency attached by ClinVar (database versions not stated): 1000 Genomes Project 0.00499; 1000 Genomes Project 30x 0.00500; TOPMed 0.01043; gnomAD 0.01317 and 0.01376; ESP Exome Variant Server 0.01339; gnomAD exomes 0.01454; ExAC 0.01625.
gnomAD v4.1: 27,641 of 1,614,040 alleles (1.7%); highest among the groups gnomAD compares: Non-Finnish European, 2%; 299 homozygotes.

Submissions (14):

Labcorp Genetics (formerly Invitae), Labcorp
Classification: Benign. Last evaluated: 2026-02-02. Review status: criteria provided, single submitter. Criteria: Invitae Variant Classification Sherloc (09022015). Collection method: clinical testing. Allele origin: germline.

Blueprint Genetics
Classification: Likely benign. Last evaluated: 2024-11-27. Review status: criteria provided, single submitter. Criteria: ACMG Guidelines, 2015. Collection method: clinical testing. Allele origin: germline.

GeneDx
Classification: Likely benign. Last evaluated: 2019-04-16. Review status: criteria provided, single submitter. Criteria: GeneDx Variant Classification Process June 2021. Collection method: clinical testing. Allele origin: germline. Affected: yes.

Illumina Laboratory Services, Illumina
Classification: Benign for Interstitial lung disease due to ABCA3 deficiency. Last evaluated: 2018-01-13. Review status: criteria provided, single submitter. Criteria: ICSL Variant Classification Criteria 13 December 2019. Collection method: clinical testing. Allele origin: germline.
Comment: This variant was observed in the ICSL laboratory as part of a predisposition screen in an ostensibly healthy population. It had not been previously curated by ICSL or reported in the Human Gene Mutation Database (HGMD: prior to June 1st, 2018), and was therefore a candidate for classification through an automated scoring system. Utilizing variant allele frequency, disease prevalence and penetrance estimates, and inheritance mode, an automated score was calculated to assess if this variant is too frequent to cause the disease. Based on the score and internal cut-off values, a variant classified as benign is not then subjected to further curation. The score for this variant resulted in a classification of benign for this disease.

Laboratory for Molecular Medicine, Mass General Brigham Personalized Medicine
Classification: Benign. Last evaluated: 2013-02-21. Review status: criteria provided, single submitter. Criteria: LMM Criteria. Collection method: clinical testing. Allele origin: germline. Observed: 1 variant allele.
Comment: 448-14C>G in intron 6 of ABCA3: This variant is not expected to have clinical si gnificance because it has been identified in 1.8% (159/8600) of European America n chromosomes from a broad population by the NHLBI Exome Sequencing Project (dbSNP rs62040683).

Breakthrough Genomics
Classification: Likely benign. Review status: criteria provided, single submitter. Criteria: ACMG Guidelines, 2015. Collection method: not provided. Allele origin: germline. Inheritance: Autosomal recessive inheritance. Affected: yes.

Dr. Peter K. Rogan Lab, Western University
No classification provided (evidence only). Condition: Lung cancer. Review status: no classification provided. Collection method: in vitro. Allele origin: not applicable. Functional consequence: retained intron. Not counted in ClinVar's aggregate classification.

Dr. Peter K. Rogan Lab, Western University
No classification provided (evidence only). Condition: Lung cancer. Review status: no classification provided. Collection method: in vitro. Allele origin: not applicable. Functional consequence: retained intron. Not counted in ClinVar's aggregate classification.

Dr. Peter K. Rogan Lab, Western University
No classification provided (evidence only). Condition: Lung cancer. Review status: no classification provided. Collection method: in vitro. Allele origin: not applicable. Functional consequence: retained intron. Not counted in ClinVar's aggregate classification.

Dr. Peter K. Rogan Lab, Western University
No classification provided (evidence only). Condition: Acute myeloid leukemia. Review status: no classification provided. Collection method: in vitro. Allele origin: not applicable. Functional consequence: retained intron. Not counted in ClinVar's aggregate classification.

Dr. Peter K. Rogan Lab, Western University
No classification provided (evidence only). Condition: Ovarian serous cystadenocarcinoma. Review status: no classification provided. Collection method: in vitro. Allele origin: not applicable. Functional consequence: retained intron. Not counted in ClinVar's aggregate classification.

Dr. Peter K. Rogan Lab, Western University
No classification provided (evidence only). Condition: Gastric cancer. Review status: no classification provided. Collection method: in vitro. Allele origin: not applicable. Functional consequence: retained intron. Not counted in ClinVar's aggregate classification.

Dr. Peter K. Rogan Lab, Western University
No classification provided (evidence only). Condition: Gastric cancer. Review status: no classification provided. Collection method: in vitro. Allele origin: not applicable. Functional consequence: retained intron. Not counted in ClinVar's aggregate classification.

Dr. Peter K. Rogan Lab, Western University
No classification provided (evidence only). Condition: Uterine carcinosarcoma. Review status: no classification provided. Collection method: in vitro. Allele origin: not applicable. Functional consequence: retained intron. Not counted in ClinVar's aggregate classification.